The following is an entry in ClinVar:

ClinVar aggregate classification (germline): Uncertain significance (1 of 4 stars; one submission).

Allele frequency attached by ClinVar (database versions not stated): gnomAD exomes below 0.00001; gnomAD 0.00001.
gnomAD v4.1: 6 of 1,614,036 alleles (0.00037%); highest among the groups gnomAD compares: Admixed American, 0.005%; no homozygotes.

Submission:

Labcorp Genetics (formerly Invitae), Labcorp
Classification: Uncertain significance. Last evaluated: 2025-09-29. Review status: criteria provided, single submitter. Criteria: Invitae Variant Classification Sherloc (09022015). Collection method: clinical testing. Allele origin: germline.
Comment: This sequence change replaces serine, which is neutral and polar, with asparagine, which is neutral and polar, at codon 144 of the CFI protein (p.Ser144Asn). This variant is present in population databases (no rsID available, gnomAD 0.009%). This variant has not been reported in the literature in individuals affected with CFI-related conditions. ClinVar contains an entry for this variant (Variation ID: 2895153). Invitae Evidence Modeling of protein sequence and biophysical properties (such as structural, functional, and spatial information, amino acid conservation, physicochemical variation, residue mobility, and thermodynamic stability) indicates that this missense variant is not expected to disrupt CFI protein function with a negative predictive value of 95%. In summary, the available evidence is currently insufficient to determine the role of this variant in disease. Therefore, it has been classified as a Variant of Uncertain Significance.

NM_000204.5(CFI):c.431G>A (p.Ser144Asn)

Gene: CFI (complement factor I; minus strand). Cytogenetic location: 4q25.
Variant type: single nucleotide variant.
Coding change: c.431G>A on transcript NM_000204.5 (MANE Select); coding-DNA position 431, G replaced by A.
Protein change: p.Ser144Asn; replaces serine 144 with asparagine.
Molecular consequence: missense variant. On other transcripts: non-coding transcript variant (3), intron variant (1).
Genome position (GRCh38, 1-based): chr4:109,764,588, C>T on the plus strand (G>A on the coding strand, the complement: CFI is on the minus strand). VCF-style: chr4-109764588-C-T. GRCh37 (hg19) VCF-style: chr4-110685744-C-T.
Other names: c.431G>A, p.Ser144Asn (NM_001318057.2, NM_001331035.2, NM_001375278.1 and 5 more transcripts); c.-127-2896G>A (NM_001375284.1); short protein forms S144N.
Identifiers: ClinVar variation 2895153 (VCV002895153.3), dbSNP rs1357120518, ClinGen allele CA357863881.